The following is an entry in ClinVar:

ClinVar aggregate classification (germline): Uncertain significance (1 of 4 stars; one submission).

gnomAD v4.1: 1 of 1,614,186 alleles (0.000062%); highest among the groups gnomAD compares: Non-Finnish European, 0.000085%; no homozygotes.

Submission:

Labcorp Genetics (formerly Invitae), Labcorp
Classification: Uncertain significance. Last evaluated: 2025-03-06. Review status: criteria provided, single submitter. Criteria: Invitae Variant Classification Sherloc (09022015). Collection method: clinical testing. Allele origin: germline.
Comment: This sequence change replaces leucine, which is neutral and non-polar, with isoleucine, which is neutral and non-polar, at codon 781 of the ADGRE2 protein (p.Leu781Ile). This variant is not present in population databases (gnomAD no frequency). This variant has not been reported in the literature in individuals affected with ADGRE2-related conditions. ClinVar contains an entry for this variant (Variation ID: 2864102). An algorithm developed to predict the effect of missense changes on protein structure and function (PolyPhen-2) suggests that this variant is likely to be disruptive. In summary, the available evidence is currently insufficient to determine the role of this variant in disease. Therefore, it has been classified as a Variant of Uncertain Significance.

NM_013447.4(ADGRE2):c.2341C>A (p.Leu781Ile)

Gene: ADGRE2 (adhesion G protein-coupled receptor E2; minus strand). Cytogenetic location: 19p13.12.
Variant type: single nucleotide variant.
Coding change: c.2341C>A on transcript NM_013447.4 (MANE Select); coding-DNA position 2341, C replaced by A.
Protein change: p.Leu781Ile; replaces leucine 781 with isoleucine.
Molecular consequence: missense variant.
Genome position (GRCh38, 1-based): chr19:14,743,627, G>T on the plus strand (C>A on the coding strand, the complement: ADGRE2 is on the minus strand). VCF-style: chr19-14743627-G-T. GRCh37 (hg19) VCF-style: chr19-14854439-G-T.
Other names: c.2167C>A, p.Leu723Ile (NM_001271052.1); c.2194C>A, p.Leu732Ile (NM_152916.2); c.2062C>A, p.Leu688Ile (NM_152917.2); short protein forms L732I, L781I, L688I, L723I.
Identifiers: ClinVar variation 2864102 (VCV002864102.3), dbSNP rs1290191706, ClinGen allele CA404451131.